The following is an entry in ClinVar:

ClinVar aggregate classification (germline): Uncertain significance (1 of 4 stars; one submission).

Conditions:
Brugada syndrome 8 (BRGDA8). Identifiers: Orphanet 130, MedGen C2751083, MONDO:0013148, OMIM 613123.

Submission:

Labcorp Genetics (formerly Invitae), Labcorp
Classification: Uncertain significance for Brugada syndrome 8. Last evaluated: 2023-07-08. Review status: criteria provided, single submitter. Criteria: Invitae Variant Classification Sherloc (09022015). Collection method: clinical testing. Allele origin: germline.
Comment: This sequence change falls in intron 7 of the HCN4 gene. It does not directly change the encoded amino acid sequence of the HCN4 protein. In summary, the available evidence is currently insufficient to determine the role of this variant in disease. Therefore, it has been classified as a Variant of Uncertain Significance. Algorithms developed to predict the effect of sequence changes on RNA splicing suggest that this variant may create or strengthen a splice site. This variant has not been reported in the literature in individuals affected with HCN4-related conditions. This variant is not present in population databases (gnomAD no frequency).

NM_005477.3(HCN4):c.2144-17_2144-15del

Gene: HCN4 (hyperpolarization activated cyclic nucleotide gated potassium channel 4; minus strand). Cytogenetic location: 15q24.1.
Variant type: Deletion.
Coding change: c.2144-17_2144-15del on transcript NM_005477.3 (MANE Select); 17 bases into the intron before coding-DNA position 2144 through 15 bases into the intron before coding-DNA position 2144, 3 bases deleted (CTT; older notation c.2144-17_2144-15delCTT).
Molecular consequence: intron variant.
Genome position (GRCh38, 1-based): chr15:73,323,964-73,323,966, AAG deleted on the plus strand (CTT on the coding strand, the reverse complement: HCN4 is on the minus strand); deleting any 3 consecutive bases within chr15:73,323,964-73,323,968 gives the same sequence; the c. name uses the placement nearest the transcript's 3' end. VCF-style (leftmost placement, unchanged base first): chr15-73323963-CAAG-C. GRCh37 (hg19) VCF-style: chr15-73616304-CAAG-C.
Identifiers: ClinVar variation 2770295 (VCV002770295.3), dbSNP rs2549069316, ClinGen allele CA2697549180.